The following is an entry in ClinVar:

ClinVar aggregate classification (germline): Likely benign. Review status: criteria provided, multiple submitters, no conflicts (2 of 4 stars). 3 submissions from 3 submitters: Likely benign (2). 1 of the submissions does not count toward it. Last evaluated 2026-02-02.

Conditions:
Cardiovascular phenotype. Identifiers: MedGen CN230736.
MYH6-related disorder. Also called: MYH6-Related Disorders; MYH6-related condition.
Hypertrophic cardiomyopathy 14. Identifiers: MedGen C2750467, MONDO:0013197, OMIM 613251.

Allele frequency attached by ClinVar (database versions not stated): gnomAD 0.00001 and 0.00002; gnomAD exomes 0.00001 and 0.00002; ExAC 0.00005; TOPMed below 0.00001.
gnomAD v4.1: 25 of 1,614,028 alleles (0.0015%); highest among the groups gnomAD compares: Non-Finnish European, 0.0016%; no homozygotes.

Submissions (3):

Labcorp Genetics (formerly Invitae), Labcorp
Classification: Likely benign for Hypertrophic cardiomyopathy 14. Last evaluated: 2026-02-02. Review status: criteria provided, single submitter. Criteria: Invitae Variant Classification Sherloc (09022015). Collection method: clinical testing. Allele origin: germline.

Ambry Genetics
Classification: Likely benign for Cardiovascular phenotype. Last evaluated: 2025-02-23. Review status: criteria provided, single submitter. Criteria: Ambry Variant Classification Scheme 2023. Collection method: clinical testing. Allele origin: germline.

PreventionGenetics, part of Exact Sciences
Classification: Likely benign for MYH6-related condition. Last evaluated: 2019-09-25. Review status: no assertion criteria provided. Collection method: clinical testing. Allele origin: germline. Not counted in ClinVar's aggregate classification.
Comment: This variant is classified as likely benign based on ACMG/AMP sequence variant interpretation guidelines (Richards et al. 2015 PMID: 25741868, with internal and published modifications).

NM_002471.4(MYH6):c.3786C>T (p.Arg1262=)

Gene: MYH6 (myosin heavy chain 6; minus strand). Cytogenetic location: 14q11.2.
Variant type: single nucleotide variant.
Coding change: c.3786C>T on transcript NM_002471.4 (MANE Select); coding-DNA position 3786, C replaced by T.
Protein change: p.Arg1262=; no amino-acid change (arginine 1262 retained).
Molecular consequence: synonymous variant.
Genome position (GRCh38, 1-based): chr14:23,389,666, G>A on the plus strand (C>T on the coding strand, the complement: MYH6 is on the minus strand). VCF-style: chr14-23389666-G-A. GRCh37 (hg19) VCF-style: chr14-23858875-G-A.
Identifiers: ClinVar variation 767543 (VCV000767543.10), dbSNP rs775907910, ClinGen allele CA7115074.